The following is an entry in ClinVar:

NM_006206.6(PDGFRA):c.2282T>C (p.Leu761Pro)

Gene: PDGFRA (platelet derived growth factor receptor alpha; plus strand). Cytogenetic location: 4q12.
Variant type: single nucleotide variant.
Coding change: c.2282T>C on transcript NM_006206.6 (MANE Select); coding-DNA position 2282, T replaced by C.
Protein change: p.Leu761Pro; replaces leucine 761 with proline.
Molecular consequence: missense variant.
Genome position (GRCh38, 1-based): chr4:54,280,441, T>C. VCF-style: chr4-54280441-T-C. GRCh37 (hg19) VCF-style: chr4-55146608-T-C.
Other names: c.2282T>C, p.Leu761Pro (NM_001347827.2, NM_001347829.2); c.2357T>C, p.Leu786Pro (NM_001347828.2); c.2321T>C, p.Leu774Pro (NM_001347830.2); short protein forms L774P, L786P, L761P.
Identifiers: ClinVar variation 5026438 (VCV005026438.1).

ClinVar aggregate classification (germline): Uncertain significance (1 of 4 stars; one submission).

Conditions:
Hereditary cancer-predisposing syndrome. Also called: Neoplastic Syndromes, Hereditary; Tumor predisposition; Hereditary neoplastic syndrome; Hereditary Cancer Syndrome. Identifiers: Orphanet 140162, MedGen C0027672, MeSH D009386, MONDO:0015356.

Submission:

Ambry Genetics
Classification: Uncertain significance for Hereditary cancer-predisposing syndrome. Last evaluated: 2026-07-07. Review status: criteria provided, single submitter. Criteria: Ambry Variant Classification Scheme 2023. Collection method: clinical testing. Allele origin: germline.
Comment: The p.L761P variant (also known as c.2282T>C), located in coding exon 15 of the PDGFRA gene, results from a T to C substitution at nucleotide position 2282. The leucine at codon 761 is replaced by proline, an amino acid with similar properties. This amino acid position is conserved. In addition, the in silico prediction for this alteration is inconclusive. Based on the available evidence, the clinical significance of this variant remains unclear.